The following is an entry in ClinVar:

NM_001393769.1(MED12L):c.787A>G (p.Arg263Gly)

Gene: MED12L (mediator complex subunit 12L; plus strand). Cytogenetic location: 3q25.1.
Variant type: single nucleotide variant.
Coding change: c.787A>G on transcript NM_001393769.1 (MANE Select); coding-DNA position 787, A replaced by G.
Protein change: p.Arg263Gly; replaces arginine 263 with glycine.
Molecular consequence: missense variant.
Genome position (GRCh38, 1-based): chr3:151,158,749, A>G. VCF-style: chr3-151158749-A-G. GRCh37 (hg19) VCF-style: chr3-150876536-A-G.
Other names: c.787A>G, p.Arg263Gly (NM_053002.6); c.787A>G (NM_053002.4); short protein forms R263G.
Identifiers: ClinVar variation 2581422 (VCV002581422.2), dbSNP rs2530441097, ClinGen allele CA354960547.
Genomic context (GRCh38, chr3:151,158,749, plus strand): 5'-GAAGGAATGTTAGAAAAACACGAATATTTGACATGGATCCTGGATGTTTTAGAAAAGATC[A>G]GACCAATGGATGATGATCTTCTTAAACTCTTGCTACCACTAATGCTGCAGGTATAGTACA-3'
Protein context (NP_001380698.1, residues 253-273): TWILDVLEKI[Arg263Gly]PMDDDLLKLL

ClinVar aggregate classification (germline): Uncertain significance. Review status: criteria provided, multiple submitters, no conflicts (2 of 4 stars). 2 submissions from 2 submitters: Uncertain significance (2). Last evaluated 2024-06-21.

Allele frequency attached by ClinVar (database versions not stated): gnomAD exomes below 0.00001.
gnomAD v4.1: 2 of 1,613,416 alleles (0.00012%); highest among the groups gnomAD compares: Non-Finnish European, 0.00017%; no homozygotes.

Submissions (2):

GeneDx
Classification: Uncertain significance. Last evaluated: 2024-06-21. Review status: criteria provided, single submitter. Criteria: GeneDx Variant Classification Process June 2021. Collection method: clinical testing. Allele origin: germline. Affected: yes.
Comment: Not observed at significant frequency in large population cohorts (gnomAD); In silico analysis supports that this missense variant has a deleterious effect on protein structure/function; Has not been previously published as pathogenic or benign to our knowledge

Women's Health and Genetics/Laboratory Corporation of America, LabCorp
Classification: Uncertain significance. Last evaluated: 2023-08-03. Review status: criteria provided, single submitter. Criteria: LabCorp Variant Classification Summary - May 2015. Collection method: clinical testing. Allele origin: germline.
Comment: Variant summary: MED12L c.787A>G (p.Arg263Gly) results in a non-conservative amino acid change in the encoded protein sequence. Four of five in-silico tools predict a damaging effect of the variant on protein function. The variant was absent in 251134 control chromosomes (gnomAD). The available data on variant occurrences in the general population are insufficient to allow any conclusion about variant significance. To our knowledge, no occurrence of c.787A>G in individuals affected with Nizon-Isidor Syndrome and no experimental evidence demonstrating its impact on protein function have been reported. No submitters have cited clinical-significance assessments for this variant to ClinVar after 2014. Based on the evidence outlined above, the variant was classified as uncertain significance.